The following is an entry in ClinVar:

NM_000334.4(SCN4A):c.1030G>A (p.Asp344Asn)

Gene: SCN4A (sodium voltage-gated channel alpha subunit 4; minus strand). Cytogenetic location: 17q23.3.
Variant type: single nucleotide variant.
Coding change: c.1030G>A on transcript NM_000334.4 (MANE Select); coding-DNA position 1030, G replaced by A.
Protein change: p.Asp344Asn; replaces aspartic acid 344 with asparagine.
Molecular consequence: missense variant.
Genome position (GRCh38, 1-based): chr17:63,968,029, C>T on the plus strand (G>A on the coding strand, the complement: SCN4A is on the minus strand). VCF-style: chr17-63968029-C-T. GRCh37 (hg19) VCF-style: chr17-62045389-C-T.
Other names: short protein forms D344N.
Identifiers: ClinVar variation 3582706 (VCV003582706.2).

ClinVar aggregate classification (germline): Uncertain significance. Review status: criteria provided, multiple submitters, no conflicts (2 of 4 stars). 2 submissions from 2 submitters: Uncertain significance (2). Last evaluated 2025-07-28.

Conditions:
Congenital myopathy 22A, classic (CMYO22A). Identifiers: MedGen C5830453, MONDO:0957247, OMIM 620351.
Hypokalemic periodic paralysis, type 2 (HOKPP2). Identifiers: Orphanet 681, MedGen C2750061, MONDO:0013234, OMIM 613345.
Hyperkalemic periodic paralysis. Also called: Gamstorp disease; Familial hyperkalemic periodic paralysis. Identifiers: Orphanet 682, MedGen C0238357, MONDO:0008224, OMIM 170500, HP:0007215.
Congenital myopathy 22B, severe fetal (CMYO22B). Identifiers: MedGen C5830501, MONDO:0957265, OMIM 620369.
Congenital myasthenic syndrome 16. Identifiers: Orphanet 590, MedGen C3280112, MONDO:0013620, OMIM 614198.
Potassium-aggravated myotonia. Also called: MYOTONIA CONGENITA, ACETAZOLAMIDE-RESPONSIVE; MYOTONIA CONGENITA, ATYPICAL; SODIUM CHANNEL MUSCLE DISEASE; Myotonia congenita, atypical, acetazolamide-responsive. Identifiers: Orphanet 612, Orphanet 99734, Orphanet 99735, Orphanet 99736, MedGen C2931826, MONDO:0018959, OMIM 608390.
Paramyotonia congenita of Von Eulenburg. Also called: PARALYSIS PERIODICA PARAMYOTONICA; Eulenburg disease; Myotonia congenita intermittens; Von Eulenburg paramyotonia congenita; Paramyotonia Congenita. Identifiers: Orphanet 684, MedGen C0221055, MONDO:0008195, OMIM 168300. Disease mechanism: loss of function.

Submissions (2):

Labcorp Genetics (formerly Invitae), Labcorp
Classification: Uncertain significance for Hyperkalemic periodic paralysis. Last evaluated: 2025-07-28. Review status: criteria provided, single submitter. Criteria: Invitae Variant Classification Sherloc (09022015). Collection method: clinical testing. Allele origin: germline.
Comment: This sequence change replaces aspartic acid, which is acidic and polar, with asparagine, which is neutral and polar, at codon 344 of the SCN4A protein (p.Asp344Asn). This variant is present in population databases (no rsID available, gnomAD 0.007%). This variant has not been reported in the literature in individuals affected with SCN4A-related conditions. ClinVar contains an entry for this variant (Variation ID: 3582706). Invitae Evidence Modeling of protein sequence and biophysical properties (such as structural, functional, and spatial information, amino acid conservation, physicochemical variation, residue mobility, and thermodynamic stability) indicates that this missense variant is not expected to disrupt SCN4A protein function with a negative predictive value of 95%. In summary, the available evidence is currently insufficient to determine the role of this variant in disease. Therefore, it has been classified as a Variant of Uncertain Significance.

Fulgent Genetics
Classification: Uncertain significance for Paramyotonia congenita of Von Eulenburg; Hyperkalemic periodic paralysis; Potassium-aggravated myotonia; Hypokalemic periodic paralysis, type 2; Congenital myasthenic syndrome 16; Congenital myopathy 22A, classic; Congenital myopathy 22B, severe fetal. Last evaluated: 2024-05-30. Review status: criteria provided, single submitter. Criteria: ACMG Guidelines, 2015. Collection method: clinical testing. Allele origin: germline.